The following is an entry in ClinVar:

NM_000038.6(APC):c.1743+193G>A

Gene: APC (APC regulator of WNT signaling pathway; plus strand). Cytogenetic location: 5q22.2.
Variant type: single nucleotide variant.
Coding change: c.1743+193G>A on transcript NM_000038.6 (MANE Select); 193 bases into the intron after coding-DNA position 1743, G replaced by A.
Molecular consequence: intron variant.
Genome position (GRCh38, 1-based): chr5:112,829,165, G>A. VCF-style: chr5-112829165-G-A. GRCh37 (hg19) VCF-style: chr5-112164862-G-A.
Other names: c.1743+193G>A (NM_001354895.2, NM_001127510.3); c.1773+193G>A (NM_001354897.2); c.1470+193G>A (NM_001354902.2); c.1689+193G>A (NM_001127511.3); c.1668+193G>A (NM_001354898.2); c.1365+193G>A (NM_001354904.2); c.894+193G>A (NM_001354906.2); c.1797+193G>A (NM_001354896.2); and 5 more.
Identifiers: ClinVar variation 83163 (VCV000083163.5), dbSNP rs351772, ClinGen allele CA005576.

ClinVar aggregate classification (germline): Benign. Review status: criteria provided, single submitter (1 of 4 stars). 2 submissions from 2 submitters: Benign (1). 1 of the submissions does not count toward it. Last evaluated 2018-06-22.

Conditions:
Familial colorectal cancer. Identifiers: MedGen CN280943, MONDO:0023113. Disease mechanism: loss of function.

Allele frequency attached by ClinVar (database versions not stated): gnomAD 0.40776 and 0.39549; TOPMed 0.41156; 1000 Genomes Project 30x 0.43613; 1000 Genomes Project 0.43990.
gnomAD v4.1: 233,710 of 494,914 alleles (47%); highest among the groups gnomAD compares: East Asian, 70%; 59,111 homozygotes.

Submissions (2):

GeneDx
Classification: Benign. Last evaluated: 2018-06-22. Review status: criteria provided, single submitter. Criteria: GeneDx Variant Classification Process June 2021. Collection method: clinical testing. Allele origin: germline. Affected: yes.

Systems Biology Platform Zhejiang California International NanoSystems Institute
Classification: other for Familial colorectal cancer. Review status: no assertion criteria provided. Collection method: not provided. Allele origin: unknown. Not counted in ClinVar's aggregate classification.
ClinVar note: Converted during submission from cancer to other.